The following is an entry in ClinVar:

ClinVar aggregate classification (germline): Uncertain significance. Review status: criteria provided, multiple submitters, no conflicts (2 of 4 stars). 2 submissions from 2 submitters: Uncertain significance (2). Last evaluated 2025-10-26.

Conditions:
Epileptic encephalopathy. Identifiers: MedGen C0543888, HP:0200134.

Allele frequency attached by ClinVar (database versions not stated): gnomAD exomes 0.00002 and 0.00003; ExAC 0.00003; gnomAD 0.00004; TOPMed 0.00005; ESP Exome Variant Server 0.00008.
gnomAD v4.1: 30 of 1,612,650 alleles (0.0019%); highest among the groups gnomAD compares: Admixed American, 0.012%; no homozygotes.

Submissions (2):

Labcorp Genetics (formerly Invitae), Labcorp
Classification: Uncertain significance for Epileptic encephalopathy. Last evaluated: 2025-10-26. Review status: criteria provided, single submitter. Criteria: Invitae Variant Classification Sherloc (09022015). Collection method: clinical testing. Allele origin: germline.
Comment: This sequence change replaces arginine, which is basic and polar, with glutamine, which is neutral and polar, at codon 936 of the FASN protein (p.Arg936Gln). This variant is present in population databases (rs368158462, gnomAD 0.04%). This variant has not been reported in the literature in individuals affected with FASN-related conditions. ClinVar contains an entry for this variant (Variation ID: 951272). An algorithm developed to predict the effect of missense changes on protein structure and function (PolyPhen-2) suggests that this variant is likely to be tolerated. In summary, the available evidence is currently insufficient to determine the role of this variant in disease. Therefore, it has been classified as a Variant of Uncertain Significance.

Ambry Genetics
Classification: Uncertain significance. Last evaluated: 2024-01-29. Review status: criteria provided, single submitter. Criteria: Ambry Variant Classification Scheme 2023. Collection method: clinical testing. Allele origin: germline.

NM_004104.5(FASN):c.2807G>A (p.Arg936Gln)

Gene: FASN (fatty acid synthase; minus strand). Cytogenetic location: 17q25.3.
Variant type: single nucleotide variant.
Coding change: c.2807G>A on transcript NM_004104.5 (MANE Select); coding-DNA position 2807, G replaced by A.
Protein change: p.Arg936Gln; replaces arginine 936 with glutamine.
Molecular consequence: missense variant.
Genome position (GRCh38, 1-based): chr17:82,088,013, C>T on the plus strand (G>A on the coding strand, the complement: FASN is on the minus strand). VCF-style: chr17-82088013-C-T. GRCh37 (hg19) VCF-style: chr17-80045889-C-T.
Other names: short protein forms R936Q.
Identifiers: ClinVar variation 951272 (VCV000951272.10), dbSNP rs368158462, ClinGen allele CA8852636.
Genomic context (GRCh38, chr17:82,088,013, plus strand): 5'-CCACTCACTACCAGGTTGCCGTTCTCTGACACCTCGAAGGCACGGGAGGCCTCCAGGAGC[C>T]GTACCTCCAGGGACACTGTCCCTGCAGAGCGGGAGAGTTGGAGATCAGAGGGCAGCACCC-3'
Protein context (NP_004095.4, residues 926-946): PKTGTVSLEV[Arg936Gln]LLEASRAFEV